The following is an entry in ClinVar:

ClinVar aggregate classification (germline): Uncertain significance. Review status: criteria provided, multiple submitters, no conflicts (2 of 4 stars). 5 submissions from 5 submitters: Uncertain significance (5). Last evaluated 2025-08-08.

Conditions:
Developmental and epileptic encephalopathy, 42 (DEE42A). Also called: DEVELOPMENTAL AND EPILEPTIC ENCEPHALOPATHY 42A; EPILEPTIC ENCEPHALOPATHY, EARLY INFANTILE, 42A; Epileptic encephalopathy, early infantile, 42. Identifiers: MedGen C4310716, MONDO:0014917, OMIM 617106.
Episodic ataxia type 2 (EA2). Also called: ACETAZOLAMIDE-RESPONSIVE HEREDITARY PAROXYSMAL CEREBELLAR ATAXIA; EPISODIC ATAXIA, NYSTAGMUS-ASSOCIATED; ATAXIA, EPISODIC, WITH NYSTAGMUS; ATAXIA, FAMILIAL PAROXYSMAL; CEREBELLAR ATAXIA, PAROXYSMAL, ACETAZOLAMIDE-RESPONSIVE; CEREBELLOPATHY, HEREDITARY PAROXYSMAL. Identifiers: Orphanet 97, MedGen C1720416, MONDO:0007163, OMIM 108500.

Allele frequency attached by ClinVar (database versions not stated): gnomAD 0.00001; gnomAD exomes 0.00004; TOPMed 0.00001.
gnomAD v4.1: 58 of 1,612,678 alleles (0.0036%); highest among the groups gnomAD compares: Non-Finnish European, 0.0048%; no homozygotes.

Submissions (5):

GeneDx
Classification: Uncertain significance. Last evaluated: 2025-08-08. Review status: criteria provided, single submitter. Criteria: GeneDx Variant Classification Process June 2021. Collection method: clinical testing. Allele origin: germline. Affected: yes.
Comment: Not observed at significant frequency in large population cohorts (gnomAD); In silico analysis suggests that this missense variant does not alter protein structure/function; Has not been previously published as pathogenic or benign to our knowledge

Labcorp Genetics (formerly Invitae), Labcorp
Classification: Uncertain significance for Developmental and epileptic encephalopathy, 42; Episodic ataxia type 2. Last evaluated: 2025-02-24. Review status: criteria provided, single submitter. Criteria: Invitae Variant Classification Sherloc (09022015). Collection method: clinical testing. Allele origin: germline.
Comment: This sequence change replaces serine, which is neutral and polar, with alanine, which is neutral and non-polar, at codon 466 of the CACNA1A protein (p.Ser466Ala). This variant is not present in population databases (gnomAD no frequency). This variant has not been reported in the literature in individuals affected with CACNA1A-related conditions. ClinVar contains an entry for this variant (Variation ID: 1019695). Invitae Evidence Modeling of protein sequence and biophysical properties (such as structural, functional, and spatial information, amino acid conservation, physicochemical variation, residue mobility, and thermodynamic stability) indicates that this missense variant is not expected to disrupt CACNA1A protein function with a negative predictive value of 95%. In summary, the available evidence is currently insufficient to determine the role of this variant in disease. Therefore, it has been classified as a Variant of Uncertain Significance.

Athena Diagnostics
Classification: Uncertain significance. Last evaluated: 2024-11-03. Review status: criteria provided, single submitter. Criteria: Athena Diagnostics Criteria. Collection method: clinical testing. Allele origin: unknown.
Comment: Available data are insufficient to determine the clinical significance of the variant at this time. The frequency of this variant in the general population is uninformative in assessment of its pathogenicity. Polyphen and MutationTaster predict this amino acid change may be benign.

Women's Health and Genetics/Laboratory Corporation of America, LabCorp
Classification: Uncertain significance. Last evaluated: 2023-11-08. Review status: criteria provided, single submitter. Criteria: LabCorp Variant Classification Summary - May 2015. Collection method: clinical testing. Allele origin: germline.
Comment: Variant summary: CACNA1A c.1396T>G (p.Ser466Ala) results in a conservative amino acid change in the encoded protein sequence. Three of five in-silico tools predict a benign effect of the variant on protein function. The variant was absent in 248892 control chromosomes. The available data on variant occurrences in the general population are insufficient to allow any conclusion about variant significance. To our knowledge, no occurrence of c.1396T>G in individuals affected with Epileptic Encephalopathy, Early Infantile, 42 and no experimental evidence demonstrating its impact on protein function have been reported. Two submitters have cited clinical-significance assessments for this variant to ClinVar after 2014. All submitters classified the variant as uncertain significance. Based on the evidence outlined above, the variant was classified as uncertain significance.

Blueprint Genetics
Classification: Uncertain significance. Last evaluated: 2019-12-12. Review status: criteria provided, single submitter. Criteria: ACMG Guidelines, 2015. Collection method: clinical testing. Allele origin: germline.

NM_001127222.2(CACNA1A):c.1393T>G (p.Ser465Ala)

Gene: CACNA1A (calcium voltage-gated channel subunit alpha1 A; minus strand). Cytogenetic location: 19p13.13.
Variant type: single nucleotide variant.
Coding change: c.1393T>G on transcript NM_001127222.2 (MANE Select); coding-DNA position 1393, T replaced by G.
Protein change: p.Ser465Ala; replaces serine 465 with alanine.
Molecular consequence: missense variant.
Genome position (GRCh38, 1-based): chr19:13,317,274, A>C on the plus strand (T>G on the coding strand, the complement: CACNA1A is on the minus strand). VCF-style: chr19-13317274-A-C. GRCh37 (hg19) VCF-style: chr19-13428088-A-C.
Other names: c.1396T>G (NM_000068.2); c.1396T>G, p.Ser466Ala (NM_000068.4, NM_001127221.2, NM_001174080.2 and 1 more transcripts); short protein forms S465A, S466A.
Identifiers: ClinVar variation 1019695 (VCV001019695.17), dbSNP rs1195950626, ClinGen allele CA404345912.